The following is an entry in ClinVar:

ClinVar aggregate classification (germline): Uncertain significance. Review status: criteria provided, multiple submitters, no conflicts (2 of 4 stars). 2 submissions from 2 submitters: Uncertain significance (2). Last evaluated 2024-07-04.

Conditions:
Joubert syndrome 18 (JBTS18). Identifiers: Orphanet 2754, MedGen C3553758, MONDO:0013896, OMIM 614815.
Orofacial-digital syndrome IV (OFD4). Also called: MOHR-MAJEWSKI SYNDROME; Orofaciodigital syndrome IV; OFD SYNDROME WITH TIBIAL DEFECTS; OFD SYNDROME, BARAITSER-BURN TYPE; OFDS IV; ORAL-FACIAL-DIGITAL SYNDROME, TYPE IV. Identifiers: Orphanet 2753, MedGen C0406727, MONDO:0009794, OMIM 258860.

Allele frequency attached by ClinVar (database versions not stated): gnomAD exomes below 0.00001.

Submissions (2):

Blueprint Genetics
Classification: Uncertain significance. Last evaluated: 2024-07-04. Review status: criteria provided, single submitter. Criteria: ACMG Guidelines, 2015. Collection method: clinical testing. Allele origin: germline.

Labcorp Genetics (formerly Invitae), Labcorp
Classification: Uncertain significance for Joubert syndrome 18; Orofacial-digital syndrome IV. Last evaluated: 2022-11-22. Review status: criteria provided, single submitter. Criteria: Invitae Variant Classification Sherloc (09022015). Collection method: clinical testing. Allele origin: germline.
Comment: In summary, the available evidence is currently insufficient to determine the role of this variant in disease. Therefore, it has been classified as a Variant of Uncertain Significance. Advanced modeling of protein sequence and biophysical properties (such as structural, functional, and spatial information, amino acid conservation, physicochemical variation, residue mobility, and thermodynamic stability) performed at Invitae indicates that this missense variant is not expected to disrupt TCTN3 protein function. ClinVar contains an entry for this variant (Variation ID: 1433587). This variant has not been reported in the literature in individuals affected with TCTN3-related conditions. This variant is present in population databases (no rsID available, gnomAD no frequency). This sequence change replaces leucine, which is neutral and non-polar, with phenylalanine, which is neutral and non-polar, at codon 404 of the TCTN3 protein (p.Leu404Phe).

NM_015631.6(TCTN3):c.1210C>T (p.Leu404Phe)

Gene: TCTN3 (tectonic family member 3; minus strand). Cytogenetic location: 10q24.1.
Variant type: single nucleotide variant.
Coding change: c.1210C>T on transcript NM_015631.6 (MANE Select); coding-DNA position 1210, C replaced by T.
Protein change: p.Leu404Phe; replaces leucine 404 with phenylalanine.
Molecular consequence: missense variant.
Genome position (GRCh38, 1-based): chr10:95,683,189, G>A on the plus strand (C>T on the coding strand, the complement: TCTN3 is on the minus strand). VCF-style: chr10-95683189-G-A. GRCh37 (hg19) VCF-style: chr10-97442946-G-A.
Other names: c.766C>T, p.Leu256Phe (NM_001143973.2); short protein forms L256F, L404F.
Identifiers: ClinVar variation 1433587 (VCV001433587.7), dbSNP rs1008019391, ClinGen allele CA211802885.